The following is an entry in ClinVar:

NM_207122.2(EXT2):c.1178G>A (p.Arg393Gln)

Gene: EXT2 (exostosin glycosyltransferase 2; plus strand). Cytogenetic location: 11p11.2.
Variant type: single nucleotide variant.
Coding change: c.1178G>A on transcript NM_207122.2 (MANE Select); coding-DNA position 1178, G replaced by A.
Protein change: p.Arg393Gln; replaces arginine 393 with glutamine.
Molecular consequence: missense variant. On other transcripts: intron variant (1).
Genome position (GRCh38, 1-based): chr11:44,171,615, G>A. VCF-style: chr11-44171615-G-A. GRCh37 (hg19) VCF-style: chr11-44193165-G-A.
Other names: p.Arg393Gln; c.1277G>A, p.Arg426Gln (NM_000401.3); c.1178G>A, p.Arg393Gln (NM_001389628.1, NM_001389630.1); c.1267-59G>A (NM_001178083.3); short protein forms R393Q, R426Q.
Identifiers: ClinVar variation 134218 (VCV000134218.54), dbSNP rs138187791, ClinGen allele CA159176.

ClinVar aggregate classification (germline): Conflicting classifications of pathogenicity. Review status: criteria provided, conflicting classifications (1 of 4 stars). 10 submissions from 10 submitters: Uncertain significance (3); Benign (1); Likely benign (4). 2 of the submissions do not count toward it. Last evaluated 2026-01-20.

Conditions:
EXT2-related disorder. Also called: EXT2-related condition.
Seizures-scoliosis-macrocephaly syndrome. Also called: SEIZURES, SCOLIOSIS, AND MACROCEPHALY/MICROCEPHALY SYNDROME; Seizures, scoliosis, and macrocephaly syndrome. Identifiers: Orphanet 466926, MedGen C4225248, MONDO:0014731, OMIM 616682.
Exostoses, multiple, type 2 (EXT2). Also called: EXOSTOSES, MULTIPLE, TYPE II; Hereditary Multiple Osteochondromatosis, Type II. Identifiers: Orphanet 321, MedGen C1851413, MONDO:0007586, OMIM 133701.

Allele frequency attached by ClinVar (database versions not stated): ExAC 0.00082; 1000 Genomes Project 0.00100; gnomAD exomes 0.00105 and 0.00157; gnomAD 0.00109 and 0.00113; ESP Exome Variant Server 0.00123; 1000 Genomes Project 30x 0.00125; TOPMed 0.00134.
gnomAD v4.1: 2,441 of 1,614,128 alleles (0.15%); highest among the groups gnomAD compares: Admixed American, 0.24%; 3 homozygotes.

Submissions (20):

Labcorp Genetics (formerly Invitae), Labcorp
Classification: Benign for Exostoses, multiple, type 2. Last evaluated: 2026-01-20. Review status: criteria provided, single submitter. Criteria: Invitae Variant Classification Sherloc (09022015). Collection method: clinical testing. Allele origin: germline.

Mayo Clinic Laboratories, Mayo Clinic
Classification: Likely benign. Last evaluated: 2025-04-22. Review status: criteria provided, single submitter. Criteria: ACMG Guidelines, 2015. Collection method: clinical testing. Allele origin: germline. Observed: 1 variant allele.
Comment: BS1, BS2

Blueprint Genetics
Classification: Likely benign. Last evaluated: 2024-11-19. Review status: criteria provided, single submitter. Criteria: ACMG Guidelines, 2015. Collection method: clinical testing. Allele origin: germline.

CeGaT Center for Human Genetics Tuebingen
Classification: Likely benign. Last evaluated: 2024-03-01. Review status: criteria provided, single submitter. Criteria: CeGaT Center For Human Genetics Tuebingen Variant Classification Criteria Version 2. Collection method: clinical testing. Allele origin: germline. Affected: yes. Observed: 1 variant allele.
Comment: EXT2: BS2

Revvity Omics, Revvity
Classification: Uncertain significance. Last evaluated: 2019-10-16. Review status: criteria provided, single submitter. Criteria: ACMG Guidelines, 2015. Collection method: clinical testing. Allele origin: germline.

Genomic Research Center, Shahid Beheshti University of Medical Sciences
Classification: Uncertain significance for Seizures, scoliosis, and macrocephaly syndrome. Last evaluated: 2019-01-01. Review status: criteria provided, single submitter. Criteria: ACMG Guidelines, 2015. Collection method: clinical testing. Allele origin: unknown. Affected: yes. Observed: 1 variant allele.

Eurofins Ntd Llc (ga)
Classification: Uncertain significance. Last evaluated: 2017-08-08. Review status: criteria provided, single submitter. Criteria: EGL Classification Definitions 2015. Collection method: clinical testing. Allele origin: germline. Observed: 1 variant allele, 1 heterozygote.

Illumina Laboratory Services, Illumina
Classification: Likely benign for Exostoses, multiple, type 2. Last evaluated: 2017-04-27. Review status: criteria provided, single submitter. Criteria: ICSL Variant Classification Criteria 13 December 2019. Collection method: clinical testing. Allele origin: germline.
Comment: This variant was observed as part of a predisposition screen in an ostensibly healthy population. A literature search was performed for the gene, cDNA change, and amino acid change (where applicable). Publications were found based on this search. The evidence from the literature, in combination with allele frequency data from public databases where available, was sufficient to determine this variant is unlikely to cause disease. Therefore, this variant is classified as likely benign.

PreventionGenetics, part of Exact Sciences
Classification: Benign for EXT2-related condition. Last evaluated: 2021-02-03. Review status: no assertion criteria provided. Collection method: clinical testing. Allele origin: germline. Not counted in ClinVar's aggregate classification.
Comment: This variant is classified as benign based on ACMG/AMP sequence variant interpretation guidelines (Richards et al. 2015 PMID: 25741868, with internal and published modifications).

ITMI
No classification provided. Condition: AllHighlyPenetrant. Last evaluated: 2013-09-19. Review status: no classification provided. Collection method: reference population. Allele origin: germline. Not counted in ClinVar's aggregate classification.
Comment: Please see associated publication for description of ethnicities

Dr. Peter K. Rogan Lab, Western University
No classification provided (evidence only). Condition: Clear cell carcinoma of kidney. Review status: no classification provided. Collection method: in vitro. Allele origin: not applicable. Functional consequence: retained intron. Not counted in ClinVar's aggregate classification.

Dr. Peter K. Rogan Lab, Western University
No classification provided (evidence only). Condition: Melanoma. Review status: no classification provided. Collection method: in vitro. Allele origin: not applicable. Functional consequence: retained intron. Not counted in ClinVar's aggregate classification.

Dr. Peter K. Rogan Lab, Western University
No classification provided (evidence only). Condition: Melanoma. Review status: no classification provided. Collection method: in vitro. Allele origin: not applicable. Functional consequence: retained intron. Not counted in ClinVar's aggregate classification.

Dr. Peter K. Rogan Lab, Western University
No classification provided (evidence only). Condition: Colorectal cancer. Review status: no classification provided. Collection method: in vitro. Allele origin: not applicable. Functional consequence: retained intron. Not counted in ClinVar's aggregate classification.

Dr. Peter K. Rogan Lab, Western University
No classification provided (evidence only). Condition: Cervical cancer. Review status: no classification provided. Collection method: in vitro. Allele origin: not applicable. Functional consequence: retained intron. Not counted in ClinVar's aggregate classification.

Dr. Peter K. Rogan Lab, Western University
No classification provided (evidence only). Condition: Cervical cancer. Review status: no classification provided. Collection method: in vitro. Allele origin: not applicable. Functional consequence: retained intron. Not counted in ClinVar's aggregate classification.

Dr. Peter K. Rogan Lab, Western University
No classification provided (evidence only). Condition: Nonpapillary renal cell carcinoma. Review status: no classification provided. Collection method: in vitro. Allele origin: not applicable. Functional consequence: retained intron. Not counted in ClinVar's aggregate classification.

Dr. Peter K. Rogan Lab, Western University
No classification provided (evidence only). Condition: Thymoma. Review status: no classification provided. Collection method: in vitro. Allele origin: not applicable. Functional consequence: retained intron. Not counted in ClinVar's aggregate classification.

Dr. Peter K. Rogan Lab, Western University
No classification provided (evidence only). Condition: Uveal melanoma. Review status: no classification provided. Collection method: in vitro. Allele origin: not applicable. Functional consequence: retained intron. Not counted in ClinVar's aggregate classification.

Dr. Peter K. Rogan Lab, Western University
No classification provided (evidence only). Condition: Malignant tumor of esophagus. Review status: no classification provided. Collection method: in vitro. Allele origin: not applicable. Functional consequence: retained intron. Not counted in ClinVar's aggregate classification.

Literature cited by the submitters: PubMed 23439489 (cited by Illumina Laboratory Services, Illumina); PubMed 24728327 (cited by ITMI).